The following is an entry in ClinVar:

ClinVar aggregate classification (germline): Conflicting classifications of pathogenicity. Review status: criteria provided, conflicting classifications (1 of 4 stars). 11 submissions from 11 submitters: Uncertain significance (1); Benign (3); Likely benign (4). 3 of the submissions do not count toward it. Last evaluated 2026-01-31.

Conditions:
CACNA1C-related disorder. Also called: CACNA1C-related disorders; CACNA1C-related condition. Identifiers: MedGen CN381092, MONDO:0700321.
Cardiovascular phenotype. Identifiers: MedGen CN230736.
Long QT syndrome (LQTS). Identifiers: MedGen C0023976, MeSH D008133, MONDO:0002442. Disease mechanism: loss of function. Inheritance: Various modes of inheritance.

Allele frequency attached by ClinVar (database versions not stated): gnomAD exomes 0.00012 and 0.00024; gnomAD 0.00076 and 0.00088; 1000 Genomes Project 0.00060; TOPMed 0.00106; ESP Exome Variant Server 0.00099; ExAC 0.00052; 1000 Genomes Project 30x 0.00078.
gnomAD v4.1: 300 of 1,599,682 alleles (0.019%); highest among the groups gnomAD compares: African/African-American, 0.21%; no homozygotes.

Submissions (11):

Labcorp Genetics (formerly Invitae), Labcorp
Classification: Benign for Long QT syndrome. Last evaluated: 2026-01-31. Review status: criteria provided, single submitter. Criteria: Invitae Variant Classification Sherloc (09022015). Collection method: clinical testing. Allele origin: germline.

Molecular Diagnostic Laboratory for Inherited Cardiovascular Disease, Montreal Heart Institute
Classification: Likely benign. Last evaluated: 2025-04-09. Review status: criteria provided, single submitter. Criteria: ACMG Guidelines, 2015. Collection method: clinical testing. Allele origin: germline. Affected: no.
Comment: BS1;BP6;BP7

Women's Health and Genetics/Laboratory Corporation of America, LabCorp
Classification: Benign. Last evaluated: 2024-11-10. Review status: criteria provided, single submitter. Criteria: LabCorp Variant Classification Summary - May 2015. Collection method: clinical testing. Allele origin: germline.

Blueprint Genetics
Classification: Likely benign. Last evaluated: 2023-12-05. Review status: criteria provided, single submitter. Criteria: ACMG Guidelines, 2015. Collection method: clinical testing. Allele origin: germline.

ARUP Laboratories, Molecular Genetics and Genomics, ARUP Laboratories
Classification: Likely benign. Last evaluated: 2021-02-11. Review status: criteria provided, single submitter. Criteria: ARUP Molecular Germline Variant Investigation Process 2021. Collection method: clinical testing. Allele origin: germline.

Ambry Genetics
Classification: Likely benign for Cardiovascular phenotype. Last evaluated: 2016-11-11. Review status: criteria provided, single submitter. Criteria: Ambry Variant Classification Scheme 2023. Collection method: clinical testing. Allele origin: germline.

Eurofins Ntd Llc (ga)
Classification: Uncertain significance. Last evaluated: 2015-03-03. Review status: criteria provided, single submitter. Criteria: EGL Classification Definitions 2015. Collection method: clinical testing. Allele origin: germline. Observed: 2 variant alleles, 2 heterozygotes.

GeneDx
Classification: Benign. Last evaluated: 2015-03-03. Review status: criteria provided, single submitter. Criteria: GeneDx Variant Classification Process June 2021. Collection method: clinical testing. Allele origin: germline. Affected: yes.

PreventionGenetics, part of Exact Sciences
Classification: Likely benign for CACNA1C-related condition. Last evaluated: 2020-01-13. Review status: no assertion criteria provided. Collection method: clinical testing. Allele origin: germline. Not counted in ClinVar's aggregate classification.
Comment: This variant is classified as likely benign based on ACMG/AMP sequence variant interpretation guidelines (Richards et al. 2015 PMID: 25741868, with internal and published modifications).

Clinical Genetics, Academic Medical Center
Classification: Benign. Review status: no assertion criteria provided. Collection method: clinical testing. Allele origin: germline. Affected: yes. Study: VKGL Data-share Consensus. Not counted in ClinVar's aggregate classification.

Joint Genome Diagnostic Labs from Nijmegen and Maastricht, Radboudumc and MUMC+
Classification: Likely benign. Review status: no assertion criteria provided. Collection method: clinical testing. Allele origin: germline. Affected: yes. Study: VKGL Data-share Consensus. Not counted in ClinVar's aggregate classification.

NM_000719.7(CACNA1C):c.4611C>T (p.Arg1537=)

Gene: CACNA1C (calcium voltage-gated channel subunit alpha1 C; plus strand). Cytogenetic location: 12p13.33.
Variant type: single nucleotide variant.
Coding change: c.4611C>T on transcript NM_000719.7 (MANE Select); coding-DNA position 4611, C replaced by T.
Protein change: p.Arg1537=; no amino-acid change (arginine 1537 retained).
Molecular consequence: synonymous variant.
Genome position (GRCh38, 1-based): chr12:2,666,770, C>T. VCF-style: chr12-2666770-C-T. GRCh37 (hg19) VCF-style: chr12-2775936-C-T.
Other names: c.4755C>T, p.Arg1585= (NM_001129827.2, NM_199460.4); c.4677C>T, p.Arg1559= (NM_001129829.2); c.4611C>T, p.Arg1537= (NM_001129830.3, NM_001129833.2, NM_001129834.2 and 7 more transcripts); c.4695C>T, p.Arg1565= (NM_001129831.2); c.4671C>T, p.Arg1557= (NM_001129832.2); c.4662C>T, p.Arg1554= (NM_001129836.2); c.4578C>T, p.Arg1526= (NM_001129837.2, NM_001129838.2, NM_001129846.2 and 1 more transcripts); c.4572C>T, p.Arg1524= (NM_001129839.2); and 2 more.
Identifiers: ClinVar variation 196995 (VCV000196995.37), dbSNP rs372702466, ClinGen allele CA244864.